The following is an entry in ClinVar:

NM_182760.4(SUMF1):c.445-16C>T

Gene: SUMF1 (sulfatase modifying factor 1; minus strand). Cytogenetic location: 3p26.1.
Variant type: single nucleotide variant.
Coding change: c.445-16C>T on transcript NM_182760.4 (MANE Select); 16 bases into the intron before coding-DNA position 445, C replaced by T.
Molecular consequence: intron variant.
Genome position (GRCh38, 1-based): chr3:4,449,356, G>A on the plus strand (C>T on the coding strand, the complement: SUMF1 is on the minus strand). VCF-style: chr3-4449356-G-A. GRCh37 (hg19) VCF-style: chr3-4491040-G-A.
Other names: p.?; c.444+3520C>T (NM_001164674.2); c.445-16C>T (NM_001164675.2).
Identifiers: ClinVar variation 263006 (VCV000263006.11), dbSNP rs373525151, ClinGen allele CA2230595.

ClinVar aggregate classification (germline): Likely benign. Review status: criteria provided, multiple submitters, no conflicts (2 of 4 stars). 4 submissions from 4 submitters: Likely benign (4). Last evaluated 2026-01-11.

Conditions:
Multiple sulfatase deficiency (MSD). Also called: Multiple Sulfatase Deficiency Disease; Mucosulfatidosis; Sulfatidosis, Juvenile, Austin Type. Identifiers: Orphanet 585, MedGen C0268263, MONDO:0010088, OMIM 272200.

Allele frequency attached by ClinVar (database versions not stated): ESP Exome Variant Server 0.00008; gnomAD 0.00008 and 0.00010; TOPMed 0.00008; gnomAD exomes 0.00010 and 0.00017; 1000 Genomes Project 30x 0.00016; ExAC 0.00017; 1000 Genomes Project 0.00020.
gnomAD v4.1: 162 of 1,613,906 alleles (0.01%); highest among the groups gnomAD compares: South Asian, 0.076%; no homozygotes.

Submissions (4):

Labcorp Genetics (formerly Invitae), Labcorp
Classification: Likely benign for Multiple sulfatase deficiency. Last evaluated: 2026-01-11. Review status: criteria provided, single submitter. Criteria: Invitae Variant Classification Sherloc (09022015). Collection method: clinical testing. Allele origin: germline.

Mayo Clinic Laboratories, Mayo Clinic
Classification: Likely benign. Last evaluated: 2025-02-25. Review status: criteria provided, single submitter. Criteria: ACMG Guidelines, 2015. Collection method: clinical testing. Allele origin: germline. Observed: 1 variant allele.
Comment: BP7, PM2_supporting

Blueprint Genetics
Classification: Likely benign. Last evaluated: 2024-10-31. Review status: criteria provided, single submitter. Criteria: ACMG Guidelines, 2015. Collection method: clinical testing. Allele origin: germline.

PreventionGenetics, part of Exact Sciences
Classification: Likely benign. Review status: criteria provided, single submitter. Criteria: ACMG Guidelines, 2015. Collection method: clinical testing. Allele origin: germline.